The following is an entry in ClinVar:

NM_030632.3(ASXL3):c.3076A>T (p.Lys1026Ter)

Gene: ASXL3 (ASXL transcriptional regulator 3; plus strand). Cytogenetic location: 18q12.1.
Variant type: single nucleotide variant.
Coding change: c.3076A>T on transcript NM_030632.3 (MANE Select); coding-DNA position 3076, A replaced by T.
Protein change: p.Lys1026Ter; replaces lysine 1026 with a stop codon.
Molecular consequence: nonsense.
Genome position (GRCh38, 1-based): chr18:33,742,924, A>T. VCF-style: chr18-33742924-A-T. GRCh37 (hg19) VCF-style: chr18-31322888-A-T.
Other names: short protein forms K1026*.
Identifiers: ClinVar variation 2504074 (VCV002504074.2), dbSNP rs2510924026, ClinGen allele CA402184235.

ClinVar aggregate classification (germline): Pathogenic (1 of 4 stars; one submission).

Conditions:
Bainbridge-Ropers syndrome. Also called: Severe feeding difficulties-failure to thrive-microcephaly due to ASXL3 deficiency syndrome. Identifiers: Orphanet 352577, MedGen C4750837, MONDO:0014205, OMIM 615485.

Submission:

Pediatrics, Sichuan Provincial Hospital For Women And Children
Classification: Pathogenic for Bainbridge-Ropers syndrome. Last evaluated: 2022-09-20. Review status: criteria provided, single submitter. Criteria: ACMG Guidelines, 2015. Collection method: provider interpretation. Allele origin: de novo. Affected: yes. Observed: 1 hemizygote.
Comment: The ACMG guidelines rated this gene mutation as PVS1+PS2+PM2